The following is an entry in ClinVar:

ClinVar aggregate classification (germline): Uncertain significance. Review status: criteria provided, multiple submitters, no conflicts (2 of 4 stars). 2 submissions from 2 submitters: Uncertain significance (2). Last evaluated 2025-06-18.

Conditions:
Inborn genetic diseases. Identifiers: MedGen C0950123, MeSH D030342.

Allele frequency attached by ClinVar (database versions not stated): TOPMed 0.00001; gnomAD 0.00002.
gnomAD v4.1: 10 of 1,613,872 alleles (0.00062%); highest among the groups gnomAD compares: African/African-American, 0.0027%; no homozygotes.

Submissions (2):

Labcorp Genetics (formerly Invitae), Labcorp
Classification: Uncertain significance. Last evaluated: 2025-06-18. Review status: criteria provided, single submitter. Criteria: Invitae Variant Classification Sherloc (09022015). Collection method: clinical testing. Allele origin: germline.
Comment: This sequence change replaces alanine, which is neutral and non-polar, with serine, which is neutral and polar, at codon 788 of the ZMIZ1 protein (p.Ala788Ser). This variant is present in population databases (no rsID available, gnomAD 0.01%). This variant has not been reported in the literature in individuals affected with ZMIZ1-related conditions. ClinVar contains an entry for this variant (Variation ID: 2228001). Invitae Evidence Modeling of protein sequence and biophysical properties (such as structural, functional, and spatial information, amino acid conservation, physicochemical variation, residue mobility, and thermodynamic stability) indicates that this missense variant is expected to disrupt ZMIZ1 protein function with a positive predictive value of 80%. In summary, the available evidence is currently insufficient to determine the role of this variant in disease. Therefore, it has been classified as a Variant of Uncertain Significance.

Ambry Genetics
Classification: Uncertain significance for Inborn genetic diseases. Last evaluated: 2020-11-19. Review status: criteria provided, single submitter. Criteria: Ambry Variant Classification Scheme 2023. Collection method: clinical testing. Allele origin: germline.
Comment: The c.2362G>T (p.A788S) alteration is located in exon 21 (coding exon 17) of the ZMIZ1 gene. This alteration results from a G to T substitution at nucleotide position 2362, causing the alanine (A) at amino acid position 788 to be replaced by a serine (S). The in silico prediction for the p.A788S alteration is inconclusive. Based on insufficient or conflicting evidence, the clinical significance of this alteration remains unclear.

NM_020338.4(ZMIZ1):c.2362G>T (p.Ala788Ser)

Genes: ZMIZ1 (zinc finger MIZ-type containing 1; plus strand), LOC126860975 (CDK7 strongly-dependent group 2 enhancer GRCh37_chr10:81064163-81065362; plus strand). Cytogenetic location: 10q22.3.
Variant type: single nucleotide variant.
Coding change: c.2362G>T on transcript NM_020338.4 (MANE Select); coding-DNA position 2362, G replaced by T.
Protein change: p.Ala788Ser; replaces alanine 788 with serine.
Molecular consequence: missense variant.
Genome position (GRCh38, 1-based): chr10:79,305,540, G>T. VCF-style: chr10-79305540-G-T. GRCh37 (hg19) VCF-style: chr10-81065297-G-T.
Other names: short protein forms A788S.
Identifiers: ClinVar variation 2228001 (VCV002228001.3), dbSNP rs1462610422, ClinGen allele CA377342123.